The following is an entry in ClinVar:

ClinVar aggregate classification (germline): Uncertain significance (1 of 4 stars; one submission).

Allele frequency attached by ClinVar (database versions not stated): TOPMed below 0.00001.

Submission:

Labcorp Genetics (formerly Invitae), Labcorp
Classification: Uncertain significance. Last evaluated: 2023-04-12. Review status: criteria provided, single submitter. Criteria: Invitae Variant Classification Sherloc (09022015). Collection method: clinical testing. Allele origin: germline.
Comment: In summary, the available evidence is currently insufficient to determine the role of this variant in disease. Therefore, it has been classified as a Variant of Uncertain Significance. Advanced modeling of protein sequence and biophysical properties (such as structural, functional, and spatial information, amino acid conservation, physicochemical variation, residue mobility, and thermodynamic stability) performed at Invitae indicates that this missense variant is not expected to disrupt DNA2 protein function. This variant has not been reported in the literature in individuals affected with DNA2-related conditions. This variant is present in population databases (rs768840928, gnomAD 0.001%). This sequence change replaces methionine, which is neutral and non-polar, with arginine, which is basic and polar, at codon 259 of the DNA2 protein (p.Met259Arg).

NM_001080449.3(DNA2):c.776T>G (p.Met259Arg)

Gene: DNA2 (DNA replication helicase/nuclease 2; minus strand). Cytogenetic location: 10q21.3.
Variant type: single nucleotide variant.
Coding change: c.776T>G on transcript NM_001080449.3 (MANE Select); coding-DNA position 776, T replaced by G.
Protein change: p.Met259Arg; replaces methionine 259 with arginine.
Molecular consequence: missense variant. On other transcripts: non-coding transcript variant (1).
Genome position (GRCh38, 1-based): chr10:68,450,191, A>C on the plus strand (T>G on the coding strand, the complement: DNA2 is on the minus strand). VCF-style: chr10-68450191-A-C. GRCh37 (hg19) VCF-style: chr10-70209948-A-C.
Other names: short protein forms M259R.
Identifiers: ClinVar variation 2800567 (VCV002800567.3), dbSNP rs768840928, ClinGen allele CA5525209.